The following is an entry in ClinVar:

ClinVar aggregate classification (germline): Pathogenic (1 of 4 stars; one submission).

Conditions:
Zellweger spectrum disorders (ZS). Also called: Zellweger Spectrum Disorder; Zellweger Spectrum; Zellweger Spectrum Disorder (ZSD); Zellweger syndrome. Identifiers: Orphanet 912, MedGen C0043459, MONDO:0019609.

Submission:

Labcorp Genetics (formerly Invitae), Labcorp
Classification: Pathogenic for Zellweger spectrum disorders. Last evaluated: 2023-09-13. Review status: criteria provided, single submitter. Criteria: Invitae Variant Classification Sherloc (09022015). Collection method: clinical testing. Allele origin: germline.
Comment: For these reasons, this variant has been classified as Pathogenic. This sequence change creates a premature translational stop signal (p.Leu1087*) in the PEX1 gene. It is expected to result in an absent or disrupted protein product. Loss-of-function variants in PEX1 are known to be pathogenic (PMID: 21031596, 26387595, 31831025). This variant is not present in population databases (gnomAD no frequency). This variant has not been reported in the literature in individuals affected with PEX1-related conditions. ClinVar contains an entry for this variant (Variation ID: 1384557).

Literature cited by the submitters: PubMed 21031596; PubMed 26387595; PubMed 31831025.

NM_000466.3(PEX1):c.3259_3260del (p.Phe1086_Leu1087insTer)

Genes: PEX1 (peroxisomal biogenesis factor 1; minus strand), GATAD1 (GATA zinc finger domain containing 1; plus strand). Cytogenetic location: 7q21.2.
Variant type: Deletion.
Coding change: c.3259_3260del on transcript NM_000466.3 (MANE Select); coding-DNA positions 3259 to 3260, 2 bases deleted (CT; older notation c.3259_3260delCT).
Protein change: p.Phe1086_Leu1087insTer.
Molecular consequence: nonsense.
Genome position (GRCh38, 1-based): chr7:92,491,450-92,491,451, AG deleted on the plus strand (CT on the coding strand, the reverse complement: PEX1 is on the minus strand); deleting any 2 consecutive bases within chr7:92,491,450-92,491,452 gives the same sequence; the c. name uses the placement nearest the transcript's 3' end. VCF-style (leftmost placement, unchanged base first): chr7-92491449-AAG-A. GRCh37 (hg19) VCF-style: chr7-92120763-AAG-A.
Other names: c.3088_3089del, p.Phe1029_Leu1030insTer (NM_001282677.2); c.2635_2636del, p.Phe878_Leu879insTer (NM_001282678.2).
Identifiers: ClinVar variation 1384557 (VCV001384557.6), dbSNP rs2116059937, ClinGen allele CA2573142557.